The following is an entry in ClinVar:

ClinVar aggregate classification (germline): Uncertain significance. Review status: criteria provided, multiple submitters, no conflicts (2 of 4 stars). 2 submissions from 2 submitters: Uncertain significance (2). Last evaluated 2024-12-05.

Conditions:
Neuroblastoma, susceptibility to, 3. Also called: ALK-Related Neuroblastic Tumor Susceptibility. Identifiers: Orphanet 635, MedGen C2751681, MONDO:0013083, OMIM 613014.
Hereditary cancer-predisposing syndrome. Also called: Hereditary Cancer Syndrome; Hereditary neoplastic syndrome; Neoplastic Syndromes, Hereditary; Tumor predisposition. Identifiers: Orphanet 140162, MedGen C0027672, MeSH D009386, MONDO:0015356.

Submissions (2):

Labcorp Genetics (formerly Invitae), Labcorp
Classification: Uncertain significance for Neuroblastoma, susceptibility to, 3. Last evaluated: 2024-12-05. Review status: criteria provided, single submitter. Criteria: Invitae Variant Classification Sherloc (09022015). Collection method: clinical testing. Allele origin: germline.
Comment: This sequence change replaces tyrosine, which is neutral and polar, with histidine, which is basic and polar, at codon 1385 of the ALK protein (p.Tyr1385His). This variant is not present in population databases (gnomAD no frequency). This variant has not been reported in the literature in individuals affected with ALK-related conditions. An algorithm developed to predict the effect of missense changes on protein structure and function (PolyPhen-2) suggests that this variant is likely to be disruptive. In summary, the available evidence is currently insufficient to determine the role of this variant in disease. Therefore, it has been classified as a Variant of Uncertain Significance.

Ambry Genetics
Classification: Uncertain significance for Hereditary cancer-predisposing syndrome. Last evaluated: 2024-07-15. Review status: criteria provided, single submitter. Criteria: Ambry Variant Classification Scheme 2023. Collection method: clinical testing. Allele origin: germline.
Comment: The p.Y1385H variant (also known as c.4153T>C), located in coding exon 28 of the ALK gene, results from a T to C substitution at nucleotide position 4153. The tyrosine at codon 1385 is replaced by histidine, an amino acid with similar properties. This amino acid position is conserved. In addition, the in silico prediction for this alteration is inconclusive. Based on the available evidence, the clinical significance of this variant remains unclear.

NM_004304.5(ALK):c.4153T>C (p.Tyr1385His)

Gene: ALK (ALK receptor tyrosine kinase; minus strand). Cytogenetic location: 2p23.2.
Variant type: single nucleotide variant.
Coding change: c.4153T>C on transcript NM_004304.5 (MANE Select); coding-DNA position 4153, T replaced by C.
Protein change: p.Tyr1385His; replaces tyrosine 1385 with histidine.
Molecular consequence: missense variant.
Genome position (GRCh38, 1-based): chr2:29,196,781, A>G on the plus strand (T>C on the coding strand, the complement: ALK is on the minus strand). VCF-style: chr2-29196781-A-G. GRCh37 (hg19) VCF-style: chr2-29419647-A-G.
Other names: c.949T>C, p.Tyr317His (NM_001353765.2); short protein forms Y317H, Y1385H.
Identifiers: ClinVar variation 3524087 (VCV003524087.3).